The following is an entry in ClinVar:

NM_015047.3(EMC1):c.1782+10C>T

Genes: EMC1 (ER membrane protein complex subunit 1; minus strand), EMC1-AS1 (EMC1 antisense RNA 1; plus strand). Cytogenetic location: 1p36.13.
Variant type: single nucleotide variant.
Coding change: c.1782+10C>T on transcript NM_015047.3 (MANE Select); 10 bases into the intron after coding-DNA position 1782, C replaced by T.
Molecular consequence: intron variant.
Genome position (GRCh38, 1-based): chr1:19,232,614, G>A on the plus strand (C>T on the coding strand, the complement: EMC1 is on the minus strand). VCF-style: chr1-19232614-G-A. GRCh37 (hg19) VCF-style: chr1-19559108-G-A.
Other names: c.1716+10C>T (NM_001271429.2); c.1779+10C>T (NM_001271427.2, NM_001271428.2); c.1788+10C>T (NM_001375821.1); c.1791+10C>T (NM_001375820.1); c.1782+10C>T (NM_015047.2).
Identifiers: ClinVar variation 1157493 (VCV001157493.12), dbSNP rs200165082, ClinGen allele CA652502.

ClinVar aggregate classification (germline): Likely benign. Review status: criteria provided, multiple submitters, no conflicts (2 of 4 stars). 3 submissions from 3 submitters: Likely benign (2). 1 of the submissions does not count toward it. Last evaluated 2026-01-31.

Conditions:
EMC1-related disorder. Also called: EMC1-related condition.

Allele frequency attached by ClinVar (database versions not stated): ExAC 0.00009; gnomAD exomes 0.00009; ESP Exome Variant Server 0.00015; gnomAD 0.00020 and 0.00021; TOPMed 0.00022.
gnomAD v4.1: 626 of 1,613,804 alleles (0.039%); highest among the groups gnomAD compares: Non-Finnish European, 0.05%; no homozygotes.

Submissions (3):

Labcorp Genetics (formerly Invitae), Labcorp
Classification: Likely benign. Last evaluated: 2026-01-31. Review status: criteria provided, single submitter. Criteria: Invitae Variant Classification Sherloc (09022015). Collection method: clinical testing. Allele origin: germline.

Blueprint Genetics
Classification: Likely benign. Last evaluated: 2024-08-29. Review status: criteria provided, single submitter. Criteria: ACMG Guidelines, 2015. Collection method: clinical testing. Allele origin: germline.

PreventionGenetics, part of Exact Sciences
Classification: Likely benign for EMC1-related condition. Last evaluated: 2019-10-28. Review status: no assertion criteria provided. Collection method: clinical testing. Allele origin: germline. Not counted in ClinVar's aggregate classification.
Comment: This variant is classified as likely benign based on ACMG/AMP sequence variant interpretation guidelines (Richards et al. 2015 PMID: 25741868, with internal and published modifications).